The following is an entry in ClinVar:

NM_005228.5(EGFR):c.136G>A (p.Asp46Asn)

Gene: EGFR (epidermal growth factor receptor; plus strand). Cytogenetic location: 7p11.2.
Variant type: single nucleotide variant.
Coding change: c.136G>A on transcript NM_005228.5 (MANE Select); coding-DNA position 136, G replaced by A.
Protein change: p.Asp46Asn; replaces aspartic acid 46 with asparagine.
Molecular consequence: missense variant. On other transcripts: 5 prime UTR variant (1), intron variant (1).
Genome position (GRCh38, 1-based): chr7:55,142,333, G>A. VCF-style: chr7-55142333-G-A. GRCh37 (hg19) VCF-style: chr7-55210026-G-A.
Other names: c.136G>A, p.Asp46Asn (NM_001346897.2, NM_001346898.2, NM_001346899.2 and 3 more transcripts); c.-24G>A (NM_001346900.2); c.89-13497G>A (NM_001346941.2); short protein forms D46N.
Identifiers: ClinVar variation 2779892 (VCV002779892.4), dbSNP rs2128926207, ClinGen allele CA16622026.
Genomic context (GRCh38, chr7:55,142,333, plus strand): 5'-CTTTTTCTTCCAGTTTGCCAAGGCACGAGTAACAAGCTCACGCAGTTGGGCACTTTTGAA[G>A]ATCATTTTCTCAGCCTCCAGAGGATGTTCAATAACTGTGAGGTGGTCCTTGGGAATTTGG-3'
Protein context (NP_005219.2, residues 36-56): NKLTQLGTFE[Asp46Asn]HFLSLQRMFN

ClinVar aggregate classification (germline): Uncertain significance. Review status: criteria provided, multiple submitters, no conflicts (2 of 4 stars). 2 submissions from 2 submitters: Uncertain significance (2). Last evaluated 2026-03-13.

Conditions:
Hereditary cancer-predisposing syndrome. Also called: Tumor predisposition; Neoplastic Syndromes, Hereditary; Hereditary Cancer Syndrome; Hereditary neoplastic syndrome. Identifiers: Orphanet 140162, MedGen C0027672, MeSH D009386, MONDO:0015356.
EGFR-related lung cancer (EGFR). Identifiers: MedGen CN130014.

Submissions (2):

Ambry Genetics
Classification: Uncertain significance for Hereditary cancer-predisposing syndrome. Last evaluated: 2026-03-13. Review status: criteria provided, single submitter. Criteria: Ambry Variant Classification Scheme 2023. Collection method: clinical testing. Allele origin: germline.
Comment: The p.D46N variant (also known as c.136G>A), located in coding exon 2 of the EGFR gene, results from a G to A substitution at nucleotide position 136. The aspartic acid at codon 46 is replaced by asparagine, an amino acid with highly similar properties. This amino acid position is well conserved in available vertebrate species. In addition, this alteration is predicted to be tolerated by in silico analysis. Based on the available evidence, the clinical significance of this variant remains unclear.

Labcorp Genetics (formerly Invitae), Labcorp
Classification: Uncertain significance for EGFR-related lung cancer. Last evaluated: 2023-01-26. Review status: criteria provided, single submitter. Criteria: Invitae Variant Classification Sherloc (09022015). Collection method: clinical testing. Allele origin: germline.
Comment: This sequence change replaces aspartic acid, which is acidic and polar, with asparagine, which is neutral and polar, at codon 46 of the EGFR protein (p.Asp46Asn). This variant is not present in population databases (gnomAD no frequency). This variant has not been reported in the literature in individuals affected with EGFR-related conditions. Advanced modeling of protein sequence and biophysical properties (such as structural, functional, and spatial information, amino acid conservation, physicochemical variation, residue mobility, and thermodynamic stability) performed at Invitae indicates that this missense variant is not expected to disrupt EGFR protein function. In summary, the available evidence is currently insufficient to determine the role of this variant in disease. Therefore, it has been classified as a Variant of Uncertain Significance.